The following is an entry in ClinVar:

ClinVar aggregate classification (germline): Uncertain significance. Review status: criteria provided, multiple submitters, no conflicts (2 of 4 stars). 2 submissions from 2 submitters: Uncertain significance (2). Last evaluated 2025-10-01.

Conditions:
Inborn genetic diseases. Identifiers: MedGen C0950123, MeSH D030342.
Fanconi anemia (FA). Also called: Fanconi's anemia. Identifiers: Orphanet 84, MedGen C0015625, MeSH D005199, MONDO:0019391.

Submissions (2):

Labcorp Genetics (formerly Invitae), Labcorp
Classification: Uncertain significance for Fanconi anemia. Last evaluated: 2025-10-01. Review status: criteria provided, single submitter. Criteria: Invitae Variant Classification Sherloc (09022015). Collection method: clinical testing. Allele origin: germline.
Comment: This sequence change replaces serine, which is neutral and polar, with glycine, which is neutral and non-polar, at codon 91 of the FANCA protein (p.Ser91Gly). This variant is not present in population databases (gnomAD no frequency). This variant has not been reported in the literature in individuals affected with FANCA-related conditions. ClinVar contains an entry for this variant (Variation ID: 3716116). Invitae Evidence Modeling of protein sequence and biophysical properties (such as structural, functional, and spatial information, amino acid conservation, physicochemical variation, residue mobility, and thermodynamic stability) indicates that this missense variant is not expected to disrupt FANCA protein function with a negative predictive value of 95%. In summary, the available evidence is currently insufficient to determine the role of this variant in disease. Therefore, it has been classified as a Variant of Uncertain Significance.

Ambry Genetics
Classification: Uncertain significance for Inborn genetic diseases. Last evaluated: 2025-05-22. Review status: criteria provided, single submitter. Criteria: Ambry Variant Classification Scheme 2023. Collection method: clinical testing. Allele origin: germline.
Comment: The p.S91G variant (also known as c.271A>G), located in coding exon 3 of the FANCA gene, results from an A to G substitution at nucleotide position 271. The serine at codon 91 is replaced by glycine, an amino acid with similar properties. This amino acid position is conserved. In addition, this alteration is predicted to be tolerated by in silico analysis. Based on the available evidence, the clinical significance of this variant remains unclear.

NM_000135.4(FANCA):c.271A>G (p.Ser91Gly)

Gene: FANCA (FA complementation group A; minus strand). Cytogenetic location: 16q24.3.
Variant type: single nucleotide variant.
Coding change: c.271A>G on transcript NM_000135.4 (MANE Select); coding-DNA position 271, A replaced by G.
Protein change: p.Ser91Gly; replaces serine 91 with glycine.
Molecular consequence: missense variant.
Genome position (GRCh38, 1-based): chr16:89,814,532, T>C on the plus strand (A>G on the coding strand, the complement: FANCA is on the minus strand). VCF-style: chr16-89814532-T-C. GRCh37 (hg19) VCF-style: chr16-89880940-T-C.
Other names: c.271A>G, p.Ser91Gly (NM_001018112.3, NM_001286167.3, NM_001351830.2); short protein forms S91G.
Identifiers: ClinVar variation 3716116 (VCV003716116.3).
Genomic context (GRCh38, chr16:89,814,532, plus strand): 5'-AAAAACCCTTCTGCAATTCAAAATAGAGAAAATGAAGCTATAACTTACCTATAAATGAAC[T>C]AGAATGATTAGCATAGGCCTCAGAACTGTCACAGTCAATCACTTTGCTGAGAGACAATTT-3'
Protein context (NP_000126.2, residues 81-101): DSSEAYANHS[Ser91Gly]SFIGSALQDQ